The following is an entry in ClinVar:

NM_133433.4(NIPBL):c.3068A>G (p.Lys1023Arg)

Gene: NIPBL (NIPBL cohesin loading factor; plus strand). Cytogenetic location: 5p13.2.
Variant type: single nucleotide variant.
Coding change: c.3068A>G on transcript NM_133433.4 (MANE Select); coding-DNA position 3068, A replaced by G.
Protein change: p.Lys1023Arg; replaces lysine 1023 with arginine.
Molecular consequence: missense variant.
Genome position (GRCh38, 1-based): chr5:36,986,248, A>G. VCF-style: chr5-36986248-A-G. GRCh37 (hg19) VCF-style: chr5-36986350-A-G.
Other names: c.3068A>G, p.Lys1023Arg (NM_015384.5); short protein forms K1023R.
Identifiers: ClinVar variation 638052 (VCV000638052.3), dbSNP rs1580399961, ClinGen allele CA359508121.

ClinVar aggregate classification (germline): Uncertain significance. Review status: criteria provided, multiple submitters, no conflicts (2 of 4 stars). 2 submissions from 2 submitters: Uncertain significance (2). Last evaluated 2019-05-12.

Conditions:
Cornelia de Lange syndrome 1 (CDLS1). Also called: NIPBL-Related Cornelia de Lange Syndrome; TYPUS DEGENERATIVUS AMSTELODAMENSIS; Brachmann de Lange syndrome. Identifiers: Orphanet 199, MedGen C4551851, MONDO:0007387, OMIM 122470.
Inborn genetic diseases. Identifiers: MedGen C0950123, MeSH D030342.

Allele frequency attached by ClinVar (database versions not stated): gnomAD exomes 0.00001.
gnomAD v4.1: 8 of 1,561,234 alleles (0.00051%); highest among the groups gnomAD compares: East Asian, 0.018%; no homozygotes.

Submissions (2):

Ambry Genetics
Classification: Uncertain significance for Inborn genetic diseases. Last evaluated: 2019-05-12. Review status: criteria provided, single submitter. Criteria: Ambry Variant Classification Scheme 2023. Collection method: clinical testing. Allele origin: germline.
Comment: The p.K1023R variant (also known as c.3068A>G), located in coding exon 9 of the NIPBL gene, results from an A to G substitution at nucleotide position 3068. The lysine at codon 1023 is replaced by arginine, an amino acid with highly similar properties. This amino acid position is highly conserved in available vertebrate species. In addition, this alteration is predicted to be tolerated by in silico analysis. Since supporting evidence is limited at this time, the clinical significance of this alteration remains unclear.

Baylor-Hopkins Center for Mendelian Genomics, Johns Hopkins University School of Medicine
Classification: Uncertain significance for Cornelia de Lange syndrome 1. Review status: criteria provided, single submitter. Criteria: ACMG Guidelines, 2015. Collection method: research. Allele origin: unknown. Affected: yes. Observed: 1 variant allele, 1 heterozygote.